The following is an entry in ClinVar:

NM_007315.4(STAT1):c.868G>A (p.Glu290Lys)

Gene: STAT1 (signal transducer and activator of transcription 1; minus strand). Cytogenetic location: 2q32.2.
Variant type: single nucleotide variant.
Coding change: c.868G>A on transcript NM_007315.4 (MANE Select); coding-DNA position 868, G replaced by A.
Protein change: p.Glu290Lys; replaces glutamic acid 290 with lysine.
Molecular consequence: missense variant. On other transcripts: intron variant (1).
Genome position (GRCh38, 1-based): chr2:190,995,137, C>T on the plus strand (G>A on the coding strand, the complement: STAT1 is on the minus strand). VCF-style: chr2-190995137-C-T. GRCh37 (hg19) VCF-style: chr2-191859863-C-T.
Other names: c.868G>A, p.Glu290Lys (NM_001384880.1, NM_001384882.1, NM_001384886.1 and 4 more transcripts); c.874G>A, p.Glu292Lys (NM_001384881.1, NM_001384884.1); c.769G>A, p.Glu257Lys (NM_001384883.1); c.778G>A, p.Glu260Lys (NM_001384890.1); c.904G>A, p.Glu302Lys (NM_001384891.1); c.785+2719G>A (NM_001384885.1); short protein forms E260K, E290K, E292K, E257K, E302K.
Identifiers: ClinVar variation 2933907 (VCV002933907.3), dbSNP rs750476767, ClinGen allele CA2030130.

ClinVar aggregate classification (germline): Uncertain significance (1 of 4 stars; one submission).

Conditions:
Mendelian susceptibility to mycobacterial diseases due to partial STAT1 deficiency. Also called: IMMUNODEFICIENCY 31A, MYCOBACTERIOSIS, AUTOSOMAL DOMINANT; STAT1 DEFICIENCY, AUTOSOMAL DOMINANT; Immunodeficiency 31a. Identifiers: Orphanet 319595, MedGen C4013950, MONDO:0013956, OMIM 614892.
Immunodeficiency 31B. Also called: IMMUNODEFICIENCY 31B, MYCOBACTERIAL AND VIRAL INFECTIONS, AUTOSOMAL RECESSIVE; STAT1 DEFICIENCY, AUTOSOMAL RECESSIVE. Identifiers: Orphanet 391311, MedGen C3151088, MONDO:0013427, OMIM 613796.
Autoimmune enteropathy and endocrinopathy - susceptibility to chronic infections syndrome. Also called: Immunodeficiency 31C, autosomal dominant; Immunodeficiency 31C. Identifiers: Orphanet 391487, MedGen C3279990, MONDO:0013599, OMIM 614162.

Allele frequency attached by ClinVar (database versions not stated): gnomAD 0.00001; gnomAD exomes 0.00002; ExAC 0.00005.
gnomAD v4.1: 29 of 1,613,544 alleles (0.0018%); highest among the groups gnomAD compares: South Asian, 0.016%; no homozygotes.

Submission:

Labcorp Genetics (formerly Invitae), Labcorp
Classification: Uncertain significance for Mendelian susceptibility to mycobacterial diseases due to partial STAT1 deficiency; Immunodeficiency 31B; Autoimmune enteropathy and endocrinopathy - susceptibility to chronic infections syndrome. Last evaluated: 2024-07-21. Review status: criteria provided, single submitter. Criteria: Invitae Variant Classification Sherloc (09022015). Collection method: clinical testing. Allele origin: germline.
Comment: This sequence change replaces glutamic acid, which is acidic and polar, with lysine, which is basic and polar, at codon 290 of the STAT1 protein (p.Glu290Lys). This variant is present in population databases (rs750476767, gnomAD 0.02%). This variant has not been reported in the literature in individuals affected with STAT1-related conditions. An algorithm developed to predict the effect of missense changes on protein structure and function (PolyPhen-2) suggests that this variant is likely to be tolerated. In summary, the available evidence is currently insufficient to determine the role of this variant in disease. Therefore, it has been classified as a Variant of Uncertain Significance.